The following is an entry in ClinVar:

NM_182641.4(BPTF):c.6887A>G (p.Gln2296Arg)

Gene: BPTF (bromodomain PHD finger transcription factor; plus strand). Cytogenetic location: 17q24.2.
Variant type: single nucleotide variant.
Coding change: c.6887A>G on transcript NM_182641.4 (MANE Select); coding-DNA position 6887, A replaced by G.
Protein change: p.Gln2296Arg; replaces glutamine 2296 with arginine.
Molecular consequence: missense variant.
Genome position (GRCh38, 1-based): chr17:67,945,595, A>G. VCF-style: chr17-67945595-A-G. GRCh37 (hg19) VCF-style: chr17-65941711-A-G.
Other names: c.7265A>G, p.Gln2422Arg (NM_004459.7); short protein forms Q2296R, Q2422R.
Identifiers: ClinVar variation 1331654 (VCV001331654.4), dbSNP rs1473357921, ClinGen allele CA400723829.

ClinVar aggregate classification (germline): Uncertain significance (1 of 4 stars; one submission).

Allele frequency attached by ClinVar (database versions not stated): gnomAD 0.00001; TOPMed 0.00001.
gnomAD v4.1: 2 of 1,612,272 alleles (0.00012%); highest among the groups gnomAD compares: Non-Finnish European, 0.00017%; no homozygotes.

Submission:

Greenwood Genetic Center Diagnostic Laboratories, Greenwood Genetic Center
Classification: Uncertain significance. Last evaluated: 2021-01-20. Review status: criteria provided, single submitter. Criteria: ACMG Guidelines, 2015. Collection method: clinical testing. Allele origin: germline. Affected: yes.
Comment: PM2